The following is an entry in ClinVar:

ClinVar aggregate classification (germline): Conflicting classifications of pathogenicity. Review status: criteria provided, conflicting classifications (1 of 4 stars). 13 submissions from 9 submitters: Uncertain significance (8); Benign (2); Likely benign (3). Last evaluated 2026-01-08.

Conditions:
TTN-related disorder. Also called: TTN-related condition; TTN-related disease; TTN-related disorders.
Cardiovascular phenotype. Identifiers: MedGen CN230736.
Cardiomyopathy (CMYO). Also called: Cardiomyopathies. Identifiers: Orphanet 167848, MedGen C0878544, MONDO:0004994, HP:0001638. Inheritance: Various modes of inheritance.
Myopathy, myofibrillar, 9, with early respiratory failure (MFM9). Also called: Myopathy, distal, with early respiratory failure, autosomal dominant; MYOPATHY, PROXIMAL, WITH EARLY RESPIRATORY MUSCLE INVOLVEMENT; Hereditary myopathy with early respiratory failure; EDSTROM MYOPATHY. Identifiers: Orphanet 178464, Orphanet 34521, MedGen C1863599, MONDO:0011362, OMIM 603689.
Tibial muscular dystrophy (TMD). Also called: Tibial muscular dystrophy, tardive; Udd Distal Myopathy – Tibial Muscular Dystrophy; UDD MYOPATHY. Identifiers: Orphanet 609, MedGen C1838244, MONDO:0010870, OMIM 600334.
Dilated cardiomyopathy 1G (CMD1G). Identifiers: Orphanet 154, MedGen C1858763, MONDO:0011400, OMIM 604145.
Early-onset myopathy with fatal cardiomyopathy (CMYO5). Also called: Salih Myopathy; CONGENITAL MYOPATHY 5 WITH CARDIOMYOPATHY. Identifiers: Orphanet 289377, MedGen C2673677, MONDO:0012714, OMIM 611705. Disease mechanism: loss of function.
Autosomal recessive limb-girdle muscular dystrophy type 2J (LGMDR10). Also called: Limb-girdle muscular dystrophy, type 2J; MUSCULAR DYSTROPHY, LIMB-GIRDLE, AUTOSOMAL RECESSIVE 10. Identifiers: Orphanet 140922, MedGen C1837342, MONDO:0012127, OMIM 608807.

Allele frequency attached by ClinVar (database versions not stated): TOPMed 0.00009; ESP Exome Variant Server 0.00025.
gnomAD v4.1: 179 of 1,612,990 alleles (0.011%); highest among the groups gnomAD compares: Middle Eastern, 0.016%; no homozygotes.

Submissions (13):

PreventionGenetics, part of Exact Sciences
Classification: Uncertain significance for TTN-related condition. Last evaluated: 2026-01-08. Review status: criteria provided, single submitter. Criteria: ACMG Guidelines, 2015. Collection method: clinical testing. Allele origin: germline.
Comment: The TTN c.77249G>A variant is predicted to result in the amino acid substitution p.Arg25750Gln. This variant has been reported as a variant of uncertain significance in an individual with hypertrophic cardiomyopathy (described as p.Arg23182Gln in online supplementary file 2, van Lint et al. 2019. PubMed ID: 30847666). This variant is reported in 0.020% of alleles in individuals of European (Non-Finnish) descent in gnomAD. Although we suspect that this variant may be benign, at this time, the clinical significance of this variant is uncertain due to the absence of conclusive functional and genetic evidence.

Blueprint Genetics
Classification: Likely benign. Last evaluated: 2024-07-10. Review status: criteria provided, single submitter. Criteria: ACMG Guidelines, 2015. Collection method: clinical testing. Allele origin: germline.

Mayo Clinic Laboratories, Mayo Clinic
Classification: Uncertain significance. Last evaluated: 2024-06-17. Review status: criteria provided, single submitter. Criteria: ACMG Guidelines, 2015. Collection method: clinical testing. Allele origin: germline. Observed: 1 variant allele.
Comment: BP4

Revvity Omics, Revvity
Classification: Uncertain significance. Last evaluated: 2023-01-05. Review status: criteria provided, single submitter. Criteria: ACMG Guidelines, 2015. Collection method: clinical testing. Allele origin: germline.

CHEO Genetics Diagnostic Laboratory, Children's Hospital of Eastern Ontario
Classification: Likely benign for Cardiomyopathy. Last evaluated: 2022-04-13. Review status: criteria provided, single submitter. Criteria: ACMG Guidelines, 2015. Collection method: clinical testing. Allele origin: germline. Study: Canadian Open Genetics Repository.

GeneDx
Classification: Likely benign. Last evaluated: 2020-06-23. Review status: criteria provided, single submitter. Criteria: GeneDx Variant Classification Process June 2021. Collection method: clinical testing. Allele origin: germline. Affected: yes.
Comment: This variant is associated with the following publications: (PMID: 30847666)

Eurofins Ntd Llc (ga)
Classification: Uncertain significance. Last evaluated: 2018-02-09. Review status: criteria provided, single submitter. Criteria: EGL ClinVar v180209 classification definitions. Collection method: clinical testing. Allele origin: germline. Observed: 2 variant alleles, 2 heterozygotes.

Illumina Laboratory Services, Illumina
Classification: Benign for Tibial muscular dystrophy. Last evaluated: 2018-01-12. Review status: criteria provided, single submitter. Criteria: ICSL Variant Classification Criteria 13 December 2019. Collection method: clinical testing. Allele origin: germline.
Comment: This variant was observed in the ICSL laboratory as part of a predisposition screen in an ostensibly healthy population. It had not been previously curated by ICSL or reported in the Human Gene Mutation Database (HGMD: prior to June 1st, 2018), and was therefore a candidate for classification through an automated scoring system. Utilizing variant allele frequency, disease prevalence and penetrance estimates, and inheritance mode, an automated score was calculated to assess if this variant is too frequent to cause the disease. Based on the score and internal cut-off values, a variant classified as benign is not then subjected to further curation. The score for this variant resulted in a classification of benign for this disease.

Illumina Laboratory Services, Illumina
Classification: Uncertain significance for Dilated cardiomyopathy 1G. Last evaluated: 2018-01-12. Review status: criteria provided, single submitter. Criteria: ICSL Variant Classification Criteria 13 December 2019. Collection method: clinical testing. Allele origin: germline.

Illumina Laboratory Services, Illumina
Classification: Uncertain significance for Autosomal recessive limb-girdle muscular dystrophy type 2J. Last evaluated: 2018-01-12. Review status: criteria provided, single submitter. Criteria: ICSL Variant Classification Criteria 13 December 2019. Collection method: clinical testing. Allele origin: germline.

Illumina Laboratory Services, Illumina
Classification: Uncertain significance for Early-onset myopathy with fatal cardiomyopathy. Last evaluated: 2018-01-12. Review status: criteria provided, single submitter. Criteria: ICSL Variant Classification Criteria 13 December 2019. Collection method: clinical testing. Allele origin: germline.

Illumina Laboratory Services, Illumina
Classification: Benign for Myopathy, myofibrillar, 9, with early respiratory failure. Last evaluated: 2018-01-12. Review status: criteria provided, single submitter. Criteria: ICSL Variant Classification Criteria 13 December 2019. Collection method: clinical testing. Allele origin: germline.
Comment: the same text as in the submission from Illumina Laboratory Services, Illumina above.

Ambry Genetics
Classification: Uncertain significance for Cardiovascular phenotype. Last evaluated: 2016-11-30. Review status: criteria provided, single submitter. Criteria: Ambry Variant Classification Scheme 2023. Collection method: clinical testing. Allele origin: germline.
Comment: The p.R16685Q variant (also known as c.50054G>A), located in coding exon 153 of the TTN gene, results from a G to A substitution at nucleotide position 50054. The arginine at codon 16685 is replaced by glutamine, an amino acid with highly similar properties, and is located in the A-band region of the N2-B isoform of the titin protein. This amino acid position is not well conserved in available vertebrate species, and glutamine is the reference amino acid in other vertebrate species. In addition, this alteration is predicted to be tolerated by in silico analysis. Since supporting evidence is limited at this time, the clinical significance of this alteration remains unclear.

Literature cited by the submitters: PubMed 30847666 (cited by Mayo Clinic Laboratories, Mayo Clinic).

NM_001267550.2(TTN):c.77249G>A (p.Arg25750Gln)

Genes: TTN (titin; minus strand), TTN-AS1 (TTN antisense RNA 1; plus strand). Cytogenetic location: 2q31.2.
Variant type: single nucleotide variant.
Coding change: c.77249G>A on transcript NM_001267550.2 (MANE Select); coding-DNA position 77249, G replaced by A.
Protein change: p.Arg25750Gln; replaces arginine 25750 with glutamine.
Molecular consequence: missense variant.
Genome position (GRCh38, 1-based): chr2:178,568,883, C>T on the plus strand (G>A on the coding strand, the complement: TTN is on the minus strand). VCF-style: chr2-178568883-C-T. GRCh37 (hg19) VCF-style: chr2-179433610-C-T.
Other names: p.Arg24109Gln; c.72326G>A, p.Arg24109Gln (NM_001256850.1); c.50054G>A, p.Arg16685Gln (NM_003319.4); c.69545G>A, p.Arg23182Gln (NM_133378.4); c.50429G>A, p.Arg16810Gln (NM_133432.3); c.50630G>A, p.Arg16877Gln (NM_133437.4); short protein forms R25750Q, R23182Q, R16685Q, R24109Q, R16810Q, R16877Q.
Identifiers: ClinVar variation 196080 (VCV000196080.24), dbSNP rs368038362, ClinGen allele CA242859.